The following is an entry in ClinVar:

NM_003107.3(SOX4):c.1002C>G (p.Pro334=)

Gene: SOX4 (SRY-box transcription factor 4; plus strand). Cytogenetic location: 6p22.3.
Variant type: single nucleotide variant.
Coding change: c.1002C>G on transcript NM_003107.3 (MANE Select); coding-DNA position 1002, C replaced by G.
Protein change: p.Pro334=; no amino-acid change (proline 334 retained).
Molecular consequence: synonymous variant.
Genome position (GRCh38, 1-based): chr6:21,595,536, C>G. VCF-style: chr6-21595536-C-G. GRCh37 (hg19) VCF-style: chr6-21595767-C-G.
Identifiers: ClinVar variation 2656278 (VCV002656278.25), dbSNP rs937217121, ClinGen allele CA135864385.

ClinVar aggregate classification (germline): Likely benign. Review status: criteria provided, multiple submitters, no conflicts (2 of 4 stars). 2 submissions from 2 submitters: Likely benign (2). Last evaluated 2024-09-09.

Submissions (2):

Blueprint Genetics
Classification: Likely benign. Last evaluated: 2024-09-09. Review status: criteria provided, single submitter. Criteria: ACMG Guidelines, 2015. Collection method: clinical testing. Allele origin: germline.

CeGaT Center for Human Genetics Tuebingen
Classification: Likely benign. Last evaluated: 2022-08-01. Review status: criteria provided, single submitter. Criteria: CeGaT Center For Human Genetics Tuebingen Variant Classification Criteria Version 2. Collection method: clinical testing. Allele origin: germline. Affected: yes. Observed: 1 variant allele.
Comment: SOX4: BP4, BP7